The following is an entry in ClinVar:

ClinVar aggregate classification (germline): Uncertain significance (1 of 4 stars; one submission).

Conditions:
Loeys-Dietz syndrome 2 (LDS2). Also called: TGFBR2-Related Loeys-Dietz Syndrome; AORTIC ANEURYSM, FAMILIAL THORACIC 3; MARFAN SYNDROME, TYPE II; Marfan syndrome, type 2 (formerly); Marfan Syndrome type 2; Marfan like connective tissue disorder. Identifiers: Orphanet 284973, Orphanet 558, MedGen C2674574, MONDO:0012427, OMIM 610168.

Allele frequency attached by ClinVar (database versions not stated): TOPMed below 0.00001.
gnomAD v4.1: 1 of 1,604,846 alleles (0.000062%); highest among the groups gnomAD compares: African/African-American, 0.0013%; no homozygotes.

Submission:

All of Us Research Program, National Institutes of Health
Classification: Uncertain significance for Loeys-Dietz syndrome 2. Last evaluated: 2023-05-04. Review status: criteria provided, single submitter. Criteria: ACMG Guidelines, 2015. Collection method: clinical testing. Allele origin: germline. Inheritance: Autosomal dominant inheritance. Observed: 1 variant allele, 1 heterozygote.
Comment: This missense variant replaces threonine with isoleucine at codon 366 of the TGFBR2 protein. Computational prediction is inconclusive regarding the impact of this variant on protein structure and function (internally defined REVEL score threshold 0.5 < inconclusive < 0.7, PMID: 27666373). To our knowledge, functional studies have not been reported for this variant. This variant has not been reported in individuals affected with TGFBR2-related disorders in the literature. This variant has not been identified in the general population by the Genome Aggregation Database (gnomAD). The available evidence is insufficient to determine the role of this variant in disease conclusively. Therefore, this variant is classified as a Variant of Uncertain Significance.

This study involves interpretation of variants in research participants for the purpose of population health screening. Participant phenotype was not available at the time of variant classification. Additional details can be found in publication PMID: 35346344, PMCID: PMC8962531

NM_003242.6(TGFBR2):c.1097C>T (p.Thr366Ile)

Gene: TGFBR2 (transforming growth factor beta receptor 2; plus strand). Cytogenetic location: 3p24.1.
Variant type: single nucleotide variant.
Coding change: c.1097C>T on transcript NM_003242.6 (MANE Select); coding-DNA position 1097, C replaced by T.
Protein change: p.Thr366Ile; replaces threonine 366 with isoleucine.
Molecular consequence: missense variant. On other transcripts: intron variant (1).
Genome position (GRCh38, 1-based): chr3:30,672,280, C>T. VCF-style: chr3-30672280-C-T. GRCh37 (hg19) VCF-style: chr3-30713772-C-T.
Other names: c.992C>T, p.Thr331Ile (NM_001407133.1, NM_001407136.1, NM_001407135.1 and 2 more transcripts); c.812C>T, p.Thr271Ile (NM_001407137.1); c.737C>T, p.Thr246Ile (NM_001407138.1); c.530-16107C>T (NM_001407139.1); c.1172C>T, p.Thr391Ile (NM_001024847.3); c.1280C>T, p.Thr427Ile (NM_001407126.1); c.1205C>T, p.Thr402Ile (NM_001407127.1); c.1124C>T, p.Thr375Ile (NM_001407128.1); and 2 more; short protein forms T246I, T271I, T331I, T366I, T367I, T375I, T391I, T402I.
Identifiers: ClinVar variation 3070872 (VCV003070872.1), dbSNP rs1699357219, ClinGen allele CA351808533.